The following is an entry in ClinVar:

ClinVar aggregate classification (germline): Benign/Likely benign. Review status: criteria provided, multiple submitters, no conflicts (2 of 4 stars). 4 submissions from 4 submitters: Benign (2); Likely benign (2). Last evaluated 2024-05-31.

Conditions:
Arthrogryposis, distal, type 1B. Identifiers: Orphanet 1146, MedGen C3280526, MONDO:0013698, OMIM 614335.

Allele frequency attached by ClinVar (database versions not stated): gnomAD exomes 0.00118 and 0.00287; gnomAD 0.01171 and 0.01106; TOPMed 0.01266; 1000 Genomes Project 0.01597; ExAC 0.00170; 1000 Genomes Project 30x 0.01624.
gnomAD v4.1: 3,424 of 1,534,288 alleles (0.22%); highest among the groups gnomAD compares: African/African-American, 3.9%; 49 homozygotes.

Submissions (4):

ARUP Laboratories, Molecular Genetics and Genomics, ARUP Laboratories
Classification: Benign. Last evaluated: 2024-05-31. Review status: criteria provided, single submitter. Criteria: ARUP Molecular Germline Variant Investigation Process 2024. Collection method: clinical testing. Allele origin: germline.

GeneDx
Classification: Likely benign. Last evaluated: 2020-09-01. Review status: criteria provided, single submitter. Criteria: GeneDx Variant Classification Process June 2021. Collection method: clinical testing. Allele origin: germline. Affected: yes.

Illumina Laboratory Services, Illumina
Classification: Benign for Arthrogryposis, distal, type 1B. Last evaluated: 2018-01-13. Review status: criteria provided, single submitter. Criteria: ICSL Variant Classification Criteria 13 December 2019. Collection method: clinical testing. Allele origin: germline.
Comment: This variant was observed in the ICSL laboratory as part of a predisposition screen in an ostensibly healthy population. It had not been previously curated by ICSL or reported in the Human Gene Mutation Database (HGMD: prior to June 1st, 2018), and was therefore a candidate for classification through an automated scoring system. Utilizing variant allele frequency, disease prevalence and penetrance estimates, and inheritance mode, an automated score was calculated to assess if this variant is too frequent to cause the disease. Based on the score and internal cut-off values, a variant classified as benign is not then subjected to further curation. The score for this variant resulted in a classification of benign for this disease.

Breakthrough Genomics
Classification: Likely benign. Review status: criteria provided, single submitter. Criteria: ACMG Guidelines, 2015. Collection method: not provided. Allele origin: germline. Inheritance: Autosomal recessive inheritance. Affected: yes.

NM_002465.4(MYBPC1):c.*45C>T

Gene: MYBPC1 (myosin binding protein C1; plus strand). Cytogenetic location: 12q23.2.
Variant type: single nucleotide variant.
Coding change: c.*45C>T on transcript NM_002465.4 (MANE Select); 45 bases downstream of the stop codon, C replaced by T.
Molecular consequence: 3 prime UTR variant. On other transcripts: missense variant (1), synonymous variant (4).
Genome position (GRCh38, 1-based): chr12:101,685,607, C>T. VCF-style: chr12-101685607-C-T. GRCh37 (hg19) VCF-style: chr12-102079385-C-T.
Other names: c.3497C>T, p.Ser1166Phe (NM_001254718.3); c.*45C>T (NM_001254719.3, NM_001254720.3, NM_001254721.3 and 2 more transcripts); c.3345C>T, p.Leu1115= (NM_001254723.3); c.3459C>T, p.Leu1153= (NM_001404675.1); c.3327C>T, p.Leu1109= (NM_001404676.1); c.3249C>T, p.Leu1083= (NM_001404677.1); c.*55C>T (NM_001404678.1, NM_001404680.1, NM_001404681.1 and 3 more transcripts); short protein forms S1166F.
Identifiers: ClinVar variation 306751 (VCV000306751.11), dbSNP rs73390504, ClinGen allele CA6745446.